The following is an entry in ClinVar:

NM_000038.6(APC):c.5003A>T (p.Glu1668Val)

Gene: APC (APC regulator of Wnt signaling pathway; plus strand). Cytogenetic location: 5q22.2.
Variant type: single nucleotide variant.
Coding change: c.5003A>T on transcript NM_000038.6 (MANE Select); coding-DNA position 5003, A replaced by T.
Protein change: p.Glu1668Val; replaces glutamic acid 1668 with valine.
Molecular consequence: missense variant. On other transcripts: non-coding transcript variant (2).
Genome position (GRCh38, 1-based): chr5:112,840,597, A>T. VCF-style: chr5-112840597-A-T. GRCh37 (hg19) VCF-style: chr5-112176294-A-T.
Other names: c.5057A>T, p.Glu1686Val (NM_001407449.1, NM_001354896.2, NM_001407447.1 and 1 more transcripts); c.5003A>T, p.Glu1668Val (NM_001407450.1, NM_001127510.3, NM_001354895.2); c.4982A>T, p.Glu1661Val (NM_001407451.1); c.4973A>T, p.Glu1658Val (NM_001407452.1); c.4826A>T, p.Glu1609Val (NM_001407453.1, NM_001354901.2); c.4754A>T, p.Glu1585Val (NM_001407454.1, NM_001407455.1, NM_001407456.1 and 1 more transcripts); c.4700A>T, p.Glu1567Val (NM_001407458.1, NM_001407459.1, NM_001407460.1 and 1 more transcripts); c.4616A>T, p.Glu1539Val (NM_001407467.1, NM_001407469.1); and 11 more; short protein forms E1284V, E1385V, E1542V, E1577V, E1643V, E1650V, E1678V, E1609V.
Identifiers: ClinVar variation 3635479 (VCV003635479.2).

ClinVar aggregate classification (germline): Uncertain significance (1 of 4 stars; one submission).

Conditions:
Familial adenomatous polyposis 1 (FAP1). Also called: FAMILIAL ADENOMATOUS POLYPOSIS 1, ATTENUATED; POLYPOSIS, ADENOMATOUS INTESTINAL. Identifiers: MedGen C2713442, MONDO:0021056, OMIM 175100. Disease mechanism: loss of function.

Submission:

Labcorp Genetics (formerly Invitae), Labcorp
Classification: Uncertain significance for Familial adenomatous polyposis 1. Last evaluated: 2024-06-11. Review status: criteria provided, single submitter. Criteria: Invitae Variant Classification Sherloc (09022015). Collection method: clinical testing. Allele origin: germline.
Comment: This sequence change replaces glutamic acid, which is acidic and polar, with valine, which is neutral and non-polar, at codon 1668 of the APC protein (p.Glu1668Val). This variant is not present in population databases (gnomAD no frequency). This variant has not been reported in the literature in individuals affected with APC-related conditions. Advanced modeling of protein sequence and biophysical properties (such as structural, functional, and spatial information, amino acid conservation, physicochemical variation, residue mobility, and thermodynamic stability) performed at Invitae indicates that this missense variant is not expected to disrupt APC protein function with a negative predictive value of 95%. In summary, the available evidence is currently insufficient to determine the role of this variant in disease. Therefore, it has been classified as a Variant of Uncertain Significance.